The following is an entry in ClinVar:

ClinVar aggregate classification (germline): Uncertain significance (1 of 4 stars; one submission).

Conditions:
Familial thoracic aortic aneurysm and aortic dissection (TAAD). Also called: Thoracic aortic aneurysms and dissections. Identifiers: Orphanet 91387, MedGen C4707243, MONDO:0019625.

Submission:

All of Us Research Program, National Institutes of Health
Classification: Uncertain significance for Familial thoracic aortic aneurysm and aortic dissection. Last evaluated: 2024-03-24. Review status: criteria provided, single submitter. Criteria: ACMG Guidelines, 2015. Collection method: clinical testing. Allele origin: germline. Inheritance: Autosomal dominant inheritance. Observed: 1 variant allele, 1 heterozygote.
Comment: This missense variant replaces glutamic acid with aspartic acid at codon 53 of the MYH11 protein. Computational prediction tools indicate that this variant has a neutral impact on protein structure and function. To our knowledge, functional studies have not been reported for this variant. This variant has been reported in one individual affected with hypertrophic cardiomyopathy (PMID: 29386531). This variant has not been identified in the general population by the Genome Aggregation Database (gnomAD). The available evidence is insufficient to determine the role of this variant in disease conclusively. Therefore, this variant is classified as a Variant of Uncertain Significance.

This study involves interpretation of variants in research participants for the purpose of population health screening. Participant phenotype was not available at the time of variant classification. Additional details can be found in publication PMID: 35346344, PMCID: PMC8962531

Literature cited by the submitters: PubMed 29386531.

NM_002474.3(MYH11):c.159G>C (p.Glu53Asp)

Gene: MYH11 (myosin heavy chain 11; minus strand). Cytogenetic location: 16p13.11.
Variant type: single nucleotide variant.
Coding change: c.159G>C on transcript NM_002474.3 (MANE Select); coding-DNA position 159, G replaced by C.
Protein change: p.Glu53Asp; replaces glutamic acid 53 with aspartic acid.
Molecular consequence: missense variant.
Genome position (GRCh38, 1-based): chr16:15,838,094, C>G on the plus strand (G>C on the coding strand, the complement: MYH11 is on the minus strand). VCF-style: chr16-15838094-C-G. GRCh37 (hg19) VCF-style: chr16-15931951-C-G.
Other names: c.159G>C, p.Glu53Asp (NM_001040113.2, NM_001040114.2, NM_022844.3); short protein forms E53D.
Identifiers: ClinVar variation 3387268 (VCV003387268.1).